The following is an entry in ClinVar:

NM_000090.4(COL3A1):c.2724G>A (p.Ala908=)

Gene: COL3A1 (collagen type III alpha 1 chain; plus strand). Cytogenetic location: 2q32.2.
Variant type: single nucleotide variant.
Coding change: c.2724G>A on transcript NM_000090.4 (MANE Select); coding-DNA position 2724, G replaced by A.
Protein change: p.Ala908=; no amino-acid change (alanine 908 retained).
Molecular consequence: synonymous variant.
Genome position (GRCh38, 1-based): chr2:189,004,044, G>A. VCF-style: chr2-189004044-G-A. GRCh37 (hg19) VCF-style: chr2-189868770-G-A.
Identifiers: ClinVar variation 459776 (VCV000459776.16), dbSNP rs754015151, ClinGen allele CA075564.

ClinVar aggregate classification (germline): Likely benign. Review status: criteria provided, multiple submitters, no conflicts (2 of 4 stars). 4 submissions from 4 submitters: Likely benign (4). Last evaluated 2026-08-28.

Conditions:
Familial thoracic aortic aneurysm and aortic dissection (TAAD). Also called: Thoracic aortic aneurysms and dissections. Identifiers: Orphanet 91387, MedGen C4707243, MONDO:0019625.
Ehlers-Danlos syndrome, type 4 (EDSVASC). Also called: Ehlers-Danlos syndrome vascular type; Ehlers Danlos syndrome, ecchymotic type; Ehlers Danlos syndrome, arterial type; Ehlers Danlos syndrome, Sack-Barabas type; Ehlers-Danlos Syndrome Type IV. Identifiers: Orphanet 286, MedGen C0268338, MONDO:0017314, OMIM 130050.

Allele frequency attached by ClinVar (database versions not stated): ExAC 0.00001; gnomAD exomes 0.00001 and 0.00002; TOPMed 0.00001.

Submissions (4):

Ambry Genetics
Classification: Likely benign for Familial thoracic aortic aneurysm and aortic dissection. Last evaluated: 2026-08-28. Review status: criteria provided, single submitter. Criteria: Ambry Variant Classification Scheme 2023. Collection method: clinical testing. Allele origin: germline.

Labcorp Genetics (formerly Invitae), Labcorp
Classification: Likely benign for Ehlers-Danlos syndrome, type 4. Last evaluated: 2025-12-03. Review status: criteria provided, single submitter. Criteria: Invitae Variant Classification Sherloc (09022015). Collection method: clinical testing. Allele origin: germline.

All of Us Research Program, National Institutes of Health
Classification: Likely benign for Ehlers-Danlos syndrome, type 4. Last evaluated: 2023-08-15. Review status: criteria provided, single submitter. Criteria: ACMG Guidelines, 2015. Collection method: clinical testing. Allele origin: germline. Inheritance: Autosomal dominant inheritance. Observed: 4 variant alleles, 4 heterozygotes.
Comment: This synonymous variant does not change the amino acid sequence of the COL3A1 protein. However, computational splicing tools suggest that this variant may disrupt RNA splicing. To our knowledge, functional studies have not been performed to investigate this prediction. This variant has not been reported in individuals affected with cardiovascular disorders in the literature. This variant has been identified in 3/250094 chromosomes in the general population by the Genome Aggregation Database (gnomAD). Available evidence is insufficient to determine the role of this variant in disease conclusively. Therefore, this variant is classified as a Variant of Uncertain Significance.

This study involves interpretation of variants in research participants for the purpose of population health screening. Participant phenotype was not available at the time of variant classification. Additional details can be found in publication PMID: 35346344, PMCID: PMC8962531

Color Diagnostics, LLC DBA Color Health
Classification: Likely benign for Familial thoracic aortic aneurysm and aortic dissection. Last evaluated: 2023-04-25. Review status: criteria provided, single submitter. Criteria: ACMG Guidelines, 2015. Collection method: clinical testing. Allele origin: germline.